The following is an entry in ClinVar:

NM_000350.3(ABCA4):c.5950A>T (p.Met1984Leu)

Gene: ABCA4 (ATP binding cassette subfamily A member 4; minus strand). Cytogenetic location: 1p22.1.
Variant type: single nucleotide variant.
Coding change: c.5950A>T on transcript NM_000350.3 (MANE Select); coding-DNA position 5950, A replaced by T.
Protein change: p.Met1984Leu; replaces methionine 1984 with leucine.
Molecular consequence: missense variant.
Genome position (GRCh38, 1-based): chr1:94,007,689, T>A on the plus strand (A>T on the coding strand, the complement: ABCA4 is on the minus strand). VCF-style: chr1-94007689-T-A. GRCh37 (hg19) VCF-style: chr1-94473245-T-A.
Other names: c.5728A>T, p.Met1910Leu (NM_001425324.1); short protein forms M1984L, M1910L.
Identifiers: ClinVar variation 1466733 (VCV001466733.6), dbSNP rs2101003323, ClinGen allele CA341279562.

ClinVar aggregate classification (germline): Likely pathogenic (1 of 4 stars; one submission).

Submission:

Labcorp Genetics (formerly Invitae), Labcorp
Classification: Likely pathogenic. Last evaluated: 2022-06-20. Review status: criteria provided, single submitter. Criteria: Invitae Variant Classification Sherloc (09022015). Collection method: clinical testing. Allele origin: germline.
Comment: This variant disrupts the p.Met1984 amino acid residue in ABCA4. Other variant(s) that disrupt this residue have been determined to be pathogenic (PMID: 28559085; Invitae). This suggests that this residue is clinically significant, and that variants that disrupt this residue are likely to be disease-causing. In summary, the currently available evidence indicates that the variant is pathogenic, but additional data are needed to prove that conclusively. Therefore, this variant has been classified as Likely Pathogenic. Advanced modeling of protein sequence and biophysical properties (such as structural, functional, and spatial information, amino acid conservation, physicochemical variation, residue mobility, and thermodynamic stability) performed at Invitae indicates that this missense variant is expected to disrupt ABCA4 protein function. This variant has not been reported in the literature in individuals affected with ABCA4-related conditions. This variant is not present in population databases (gnomAD no frequency). This sequence change replaces methionine, which is neutral and non-polar, with leucine, which is neutral and non-polar, at codon 1984 of the ABCA4 protein (p.Met1984Leu).

Literature cited by the submitters: PubMed 28559085.